The following is an entry in ClinVar:

ClinVar aggregate classification (germline): Likely benign. Review status: criteria provided, single submitter (1 of 4 stars). 2 submissions from 2 submitters: Likely benign (1). 1 of the submissions does not count toward it. Last evaluated 2022-09-13.

Conditions:
SUCLG2-related disorder. Also called: SUCLG2-related condition.

Allele frequency attached by ClinVar (database versions not stated): gnomAD exomes 0.00003; ExAC 0.00008; gnomAD 0.00024; ESP Exome Variant Server 0.00025; TOPMed 0.00027.
gnomAD v4.1: 74 of 1,610,790 alleles (0.0046%); highest among the groups gnomAD compares: African/African-American, 0.069%; no homozygotes.

Submissions (2):

Labcorp Genetics (formerly Invitae), Labcorp
Classification: Likely benign. Last evaluated: 2022-09-13. Review status: criteria provided, single submitter. Criteria: Invitae Variant Classification Sherloc (09022015). Collection method: clinical testing. Allele origin: germline.

PreventionGenetics, part of Exact Sciences
Classification: Likely benign for SUCLG2-related condition. Last evaluated: 2019-12-13. Review status: no assertion criteria provided. Collection method: clinical testing. Allele origin: germline. Not counted in ClinVar's aggregate classification.
Comment: This variant is classified as likely benign based on ACMG/AMP sequence variant interpretation guidelines (Richards et al. 2015 PMID: 25741868, with internal and published modifications).

NM_003848.4(SUCLG2):c.585T>A (p.Ile195=)

Gene: SUCLG2 (succinate-CoA ligase GDP-forming subunit beta; minus strand). Cytogenetic location: 3p14.1.
Variant type: single nucleotide variant.
Coding change: c.585T>A on transcript NM_003848.4 (MANE Select); coding-DNA position 585, T replaced by A.
Protein change: p.Ile195=; no amino-acid change (isoleucine 195 retained).
Molecular consequence: synonymous variant.
Genome position (GRCh38, 1-based): chr3:67,518,322, A>T on the plus strand (T>A on the coding strand, the complement: SUCLG2 is on the minus strand). VCF-style: chr3-67518322-A-T. GRCh37 (hg19) VCF-style: chr3-67568746-A-T.
Other names: c.585T>A (NM_001177599.1); c.585T>A, p.Ile195= (NM_001177599.2).
Identifiers: ClinVar variation 2181352 (VCV002181352.6), dbSNP rs371562448, ClinGen allele CA2485965.